The following is an entry in ClinVar:

ClinVar aggregate classification (germline): Uncertain significance (1 of 4 stars; one submission).

Submission:

GeneDx
Classification: Uncertain significance. Last evaluated: 2024-12-17. Review status: criteria provided, single submitter. Criteria: GeneDx Variant Classification Process June 2021. Collection method: clinical testing. Allele origin: germline. Affected: yes.
Comment: Not observed at significant frequency in large population cohorts (gnomAD); In silico analysis supports that this missense variant has a deleterious effect on protein structure/function; Has not been previously published as pathogenic or benign to our knowledge

NM_015213.4(DENND5A):c.3343G>A (p.Ala1115Thr)

Gene: DENND5A (DENN domain containing 5A; minus strand). Cytogenetic location: 11p15.4.
Variant type: single nucleotide variant.
Coding change: c.3343G>A on transcript NM_015213.4 (MANE Select); coding-DNA position 3343, G replaced by A.
Protein change: p.Ala1115Thr; replaces alanine 1115 with threonine.
Molecular consequence: missense variant.
Genome position (GRCh38, 1-based): chr11:9,143,447, C>T on the plus strand (G>A on the coding strand, the complement: DENND5A is on the minus strand). VCF-style: chr11-9143447-C-T. GRCh37 (hg19) VCF-style: chr11-9164994-C-T.
Other names: c.3343G>A, p.Ala1115Thr (NM_001243254.2); c.3271G>A, p.Ala1091Thr (NM_001348749.2); c.3055G>A, p.Ala1019Thr (NM_001348750.2); short protein forms A1019T, A1091T, A1115T.
Identifiers: ClinVar variation 3906660 (VCV003906660.1).
Genomic context (GRCh38, chr11:9,143,447, plus strand): 5'-GGGCAGGAAGGCTCACCTCTTTCTCAGGCTTATGGAAGTGCTTCACAATGCCATTGACTG[C>T]CTCCCCGATGGACTCCTGGATCTGCCCAGTGTTCAGCTCTAATAAAAATCAAGCAGACAT-3'
Protein context (NP_056028.2, residues 1105-1125): TGQIQESIGE[Ala1115Thr]VNGIVKHFHK